The following is an entry in ClinVar:

ClinVar aggregate classification (germline): Conflicting classifications of pathogenicity. Review status: criteria provided, conflicting classifications (1 of 4 stars). 6 submissions from 6 submitters: Uncertain significance (2); Likely benign (3). 1 of the submissions does not count toward it. Last evaluated 2026-02-01.

Conditions:
LRP5-related disorder. Also called: LRP5-related condition.

Allele frequency attached by ClinVar (database versions not stated): gnomAD exomes 0.00006 and 0.00020; ExAC 0.00019; gnomAD 0.00048 and 0.00050; TOPMed 0.00067; ESP Exome Variant Server 0.00077; 1000 Genomes Project 0.00120; 1000 Genomes Project 30x 0.00125.
gnomAD v4.1: 156 of 1,612,720 alleles (0.0097%); highest among the groups gnomAD compares: African/African-American, 0.17%; no homozygotes.

Submissions (6):

Labcorp Genetics (formerly Invitae), Labcorp
Classification: Likely benign. Last evaluated: 2026-02-01. Review status: criteria provided, single submitter. Criteria: Invitae Variant Classification Sherloc (09022015). Collection method: clinical testing. Allele origin: germline.

Mayo Clinic Laboratories, Mayo Clinic
Classification: Likely benign. Last evaluated: 2025-08-27. Review status: criteria provided, single submitter. Criteria: ACMG Guidelines, 2015. Collection method: clinical testing. Allele origin: germline. Observed: 1 variant allele.
Comment: BS1, BP4, BP7

Blueprint Genetics
Classification: Likely benign. Last evaluated: 2024-05-08. Review status: criteria provided, single submitter. Criteria: ACMG Guidelines, 2015. Collection method: clinical testing. Allele origin: germline.

GeneDx
Classification: Uncertain significance. Last evaluated: 2024-04-10. Review status: criteria provided, single submitter. Criteria: GeneDx Variant Classification Process June 2021. Collection method: clinical testing. Allele origin: germline. Affected: yes.
Comment: In silico analysis indicates that this variant does not alter splicing; Has not been previously published as pathogenic or benign to our knowledge

Eurofins Ntd Llc (ga)
Classification: Uncertain significance. Last evaluated: 2018-05-25. Review status: criteria provided, single submitter. Criteria: EGL ClinVar v180209 classification definitions. Collection method: clinical testing. Allele origin: germline. Observed: 1 variant allele, 1 heterozygote.

PreventionGenetics, part of Exact Sciences
Classification: Likely benign for LRP5-related condition. Last evaluated: 2019-07-16. Review status: no assertion criteria provided. Collection method: clinical testing. Allele origin: germline. Not counted in ClinVar's aggregate classification.
Comment: This variant is classified as likely benign based on ACMG/AMP sequence variant interpretation guidelines (Richards et al. 2015 PMID: 25741868, with internal and published modifications).

NM_002335.4(LRP5):c.1032G>C (p.Leu344=)

Gene: LRP5 (LDL receptor related protein 5; plus strand). Cytogenetic location: 11q13.2.
Variant type: single nucleotide variant.
Coding change: c.1032G>C on transcript NM_002335.4 (MANE Select); coding-DNA position 1032, G replaced by C.
Protein change: p.Leu344=; no amino-acid change (leucine 344 retained).
Molecular consequence: synonymous variant. On other transcripts: 5 prime UTR variant (1).
Genome position (GRCh38, 1-based): chr11:68,386,332, G>C. VCF-style: chr11-68386332-G-C. GRCh37 (hg19) VCF-style: chr11-68153800-G-C.
Other names: p.Leu344=; c.-734G>C (NM_001291902.2); c.1032G>C (NM_002335.3).
Identifiers: ClinVar variation 597116 (VCV000597116.21), dbSNP rs143499301, ClinGen allele CA6149228.
Genomic context (GRCh38, chr11:68,386,332, plus strand): 5'-CTGCAGGCCCTTGACCCCTGACCCCATTGCACCTGTCTCCACAGGAGCCGAGGAGGTGCT[G>C]CTGCTGGCCCGGCGGACGGACCTACGGAGGATCTCGCTGGACACGCCGGACTTCACCGAC-3'
Protein context (NP_002326.2, residues 334-354): RTCKAGAEEV[Leu344=]LLARRTDLRR